The following is an entry in ClinVar:

ClinVar aggregate classification (germline): Uncertain significance (1 of 4 stars; one submission).

Conditions:
Developmental and epileptic encephalopathy, 36 (DEE36). Also called: Congenital disorder of glycosylation, type Is; Epileptic encephalopathy, early infantile, 36; ALG13-CDG. Identifiers: Orphanet 324422, MedGen C4317295, MONDO:0010472, OMIM 300884.

Allele frequency attached by ClinVar (database versions not stated): gnomAD exomes below 0.00001.
gnomAD v4.1: 1 of 1,161,026 alleles (0.000086%); highest among the groups gnomAD compares: Non-Finnish European, 0.00012%; no homozygotes.

Submission:

Labcorp Genetics (formerly Invitae), Labcorp
Classification: Uncertain significance for Developmental and epileptic encephalopathy, 36. Last evaluated: 2024-11-21. Review status: criteria provided, single submitter. Criteria: Invitae Variant Classification Sherloc (09022015). Collection method: clinical testing. Allele origin: germline.
Comment: This sequence change falls in intron 11 of the ALG13 gene. It does not directly change the encoded amino acid sequence of the ALG13 protein. It affects a nucleotide within the consensus splice site. This variant is not present in population databases (gnomAD no frequency). This variant has not been reported in the literature in individuals affected with ALG13-related conditions. ClinVar contains an entry for this variant (Variation ID: 2852262). Variants that disrupt the consensus splice site are a relatively common cause of aberrant splicing (PMID: 17576681, 9536098). Algorithms developed to predict the effect of sequence changes on RNA splicing suggest that this variant is not likely to affect RNA splicing. In summary, the available evidence is currently insufficient to determine the role of this variant in disease. Therefore, it has been classified as a Variant of Uncertain Significance.

Literature cited by the submitters: PubMed 17576681; PubMed 9536098.

NM_001099922.3(ALG13):c.1326+3T>A

Gene: ALG13 (ALG13 UDP-N-acetylglucosaminyltransferase subunit; plus strand). Cytogenetic location: Xq23.
Variant type: single nucleotide variant.
Coding change: c.1326+3T>A on transcript NM_001099922.3 (MANE Select); 3 bases into the intron after coding-DNA position 1326, T replaced by A.
Molecular consequence: intron variant.
Genome position (GRCh38, 1-based): chrX:111,720,173, T>A. VCF-style: chrX-111720173-T-A. GRCh37 (hg19) VCF-style: chrX-110963401-T-A.
Other names: c.1014+3T>A (NM_001257237.2, NM_001324293.1, NM_001257234.2 and 1 more transcripts); c.1092+3T>A (NM_001257231.2); c.1326+3T>A (NM_001324292.2).
Identifiers: ClinVar variation 2852262 (VCV002852262.3), dbSNP rs2525785999, ClinGen allele CA2579681283.
Genomic context (GRCh38, chrX:111,720,173, plus strand): 5'-CTGCTACAATGCTGAAAATATACCAGAGGGCTACAATAAAGGAACAGAAGAAACAAAGGT[T>A]TGATATTTTCTAAGGCAAAGAATTTTCATAGTCTTGGCTTGCAGCATCATGACTTAAACT-3'